The following is an entry in ClinVar:

ClinVar aggregate classification (germline): Conflicting classifications of pathogenicity. Review status: criteria provided, conflicting classifications (1 of 4 stars). 3 submissions from 3 submitters: Uncertain significance (1); Benign (1); Likely benign (1). Last evaluated 2024-11-27.

Allele frequency attached by ClinVar (database versions not stated): gnomAD exomes 0.00131 and 0.00209; gnomAD 0.00124 and 0.00120; TOPMed 0.00127; ExAC 0.00125; ESP Exome Variant Server 0.00108.
gnomAD v4.1: 3,209 of 1,614,062 alleles (0.2%); highest among the groups gnomAD compares: Non-Finnish European, 0.25%; 3 homozygotes.

Submissions (3):

Blueprint Genetics
Classification: Likely benign. Last evaluated: 2024-11-27. Review status: criteria provided, single submitter. Criteria: ACMG Guidelines, 2015. Collection method: clinical testing. Allele origin: germline.

CeGaT Center for Human Genetics Tuebingen
Classification: Benign. Last evaluated: 2022-09-01. Review status: criteria provided, single submitter. Criteria: CeGaT Center For Human Genetics Tuebingen Variant Classification Criteria Version 2. Collection method: clinical testing. Allele origin: germline. Affected: yes. Observed: 1 variant allele.
Comment: TBX1: BS1, BS2

Laboratory for Molecular Medicine, Mass General Brigham Personalized Medicine
Classification: Uncertain significance. Last evaluated: 2016-04-27. Review status: criteria provided, single submitter. Criteria: LMM Criteria. Collection method: clinical testing. Allele origin: germline. Observed: 1 variant allele.
Comment: Variant classified as Uncertain Significance - Favor Benign. The patient also carried variants in other genes associated with cong enital heart defects (Topf 2014). This variant has been identified in 0.2% (133/ 44688) of European chromosomes by the Exome Aggregation Consortium (ExAC; dbSNP rs72646973). Although it has been seen in the ge neral population, its frequency is not high enough to rule out a pathogenic role . In summary, while the clinical significance of the c.*11C>T variant is uncerta in, its frequency suggest that it is more likely to be benign.

Literature cited by the submitters: PubMed 25093829 (cited by Laboratory for Molecular Medicine, Mass General Brigham Personalized Medicine).

NC_000022.11:g.19779418C>T

Gene: TBX1 (T-box transcription factor 1; plus strand). Cytogenetic location: 22q11.21.
Variant type: single nucleotide variant.
Molecular consequence: 3 prime UTR variant (on NM_080646.2). On other transcripts: intron variant (1).
Genome position: GRCh38 VCF-style: chr22-19779418-C-T. GRCh37 (hg19) VCF-style: chr22-19766941-C-T.
Other names: c.*11C>T (NM_080646.2); c.1010-3495C>T (NM_005992.1).
Identifiers: ClinVar variation 504975 (VCV000504975.29), dbSNP rs72646973, ClinGen allele CA10102860.